The following is an entry in ClinVar:

ClinVar aggregate classification (germline): Benign. Review status: criteria provided, multiple submitters, no conflicts (2 of 4 stars). 3 submissions from 3 submitters: Benign (2). 1 of the submissions does not count toward it. Last evaluated 2026-01-25.

Conditions:
PLXNA1-related disorder. Also called: PLXNA1-related condition.

Allele frequency attached by ClinVar (database versions not stated): gnomAD exomes 0.00342 and 0.00933; ExAC 0.01150; gnomAD 0.03584 and 0.03850; 1000 Genomes Project 0.03894; TOPMed 0.04029; 1000 Genomes Project 30x 0.04216; ESP Exome Variant Server 0.04298.
gnomAD v4.1: 10,647 of 1,613,710 alleles (0.66%); highest among the groups gnomAD compares: African/African-American, 12%; 615 homozygotes.

Submissions (3):

Labcorp Genetics (formerly Invitae), Labcorp
Classification: Benign. Last evaluated: 2026-01-25. Review status: criteria provided, single submitter. Criteria: Invitae Variant Classification Sherloc (09022015). Collection method: clinical testing. Allele origin: germline.

Breakthrough Genomics
Classification: Benign. Review status: criteria provided, single submitter. Criteria: ACMG Guidelines, 2015. Collection method: not provided. Allele origin: germline. Inheritance: Autosomal recessive inheritance. Affected: yes.

PreventionGenetics, part of Exact Sciences
Classification: Benign for PLXNA1-related condition. Last evaluated: 2019-06-03. Review status: no assertion criteria provided. Collection method: clinical testing. Allele origin: germline. Not counted in ClinVar's aggregate classification.
Comment: This variant is classified as benign based on ACMG/AMP sequence variant interpretation guidelines (Richards et al. 2015 PMID: 25741868, with internal and published modifications).

NM_032242.4(PLXNA1):c.4782C>T (p.Asp1594=)

Gene: PLXNA1 (plexin A1; plus strand). Cytogenetic location: 3q21.3.
Variant type: single nucleotide variant.
Coding change: c.4782C>T on transcript NM_032242.4 (MANE Select); coding-DNA position 4782, C replaced by T.
Protein change: p.Asp1594=; no amino-acid change (aspartic acid 1594 retained).
Molecular consequence: synonymous variant.
Genome position (GRCh38, 1-based): chr3:127,029,448, C>T. VCF-style: chr3-127029448-C-T. GRCh37 (hg19) VCF-style: chr3-126748291-C-T.
Other names: c.4782C>T (NM_032242.3).
Identifiers: ClinVar variation 1591645 (VCV001591645.11), dbSNP rs6776842, ClinGen allele CA2594503.
Genomic context (GRCh38, chr3:127,029,448, plus strand): 5'-TGGTGCAGGGGCACCCTGGTGGGTCACAGGGTCCCTGGCCCTCTGCCCACAGGTGACAGA[C>T]GGGTCCTCGGTGGCACTGGTGCCCAAGCAGACGTCCGCCTACAACATCTCCAACTCCTCC-3'
Protein context (NP_115618.3, residues 1584-1604): LNTLAHYQVT[Asp1594=]GSSVALVPKQ